The following is an entry in ClinVar:

ClinVar aggregate classification (germline): Uncertain significance (1 of 4 stars; one submission).

Conditions:
Ullrich congenital muscular dystrophy 2 (UCMD2). Identifiers: Orphanet 75840, MedGen C4225314, MONDO:0014654, OMIM 616470.
Bethlem myopathy 2 (BTHLM2). Identifiers: Orphanet 536516, Orphanet 610, MedGen C4225313, MONDO:0034022, OMIM 616471.

gnomAD v4.1: 1 of 1,609,474 alleles (0.000062%); highest among the groups gnomAD compares: Non-Finnish European, 0.000085%; no homozygotes.

Submission:

Labcorp Genetics (formerly Invitae), Labcorp
Classification: Uncertain significance for Bethlem myopathy 2; Ullrich congenital muscular dystrophy 2. Last evaluated: 2024-09-18. Review status: criteria provided, single submitter. Criteria: Invitae Variant Classification Sherloc (09022015). Collection method: clinical testing. Allele origin: germline.
Comment: This sequence change replaces lysine, which is basic and polar, with arginine, which is basic and polar, at codon 1094 of the COL12A1 protein (p.Lys1094Arg). This variant is present in population databases (rs753727898, gnomAD 0.0009%). This variant has not been reported in the literature in individuals affected with COL12A1-related conditions. Invitae Evidence Modeling of protein sequence and biophysical properties (such as structural, functional, and spatial information, amino acid conservation, physicochemical variation, residue mobility, and thermodynamic stability) indicates that this missense variant is not expected to disrupt COL12A1 protein function with a negative predictive value of 80%. In summary, the available evidence is currently insufficient to determine the role of this variant in disease. Therefore, it has been classified as a Variant of Uncertain Significance.

NM_004370.6(COL12A1):c.3281A>G (p.Lys1094Arg)

Gene: COL12A1 (collagen type XII alpha 1 chain; minus strand). Cytogenetic location: 6q13.
Variant type: single nucleotide variant.
Coding change: c.3281A>G on transcript NM_004370.6 (MANE Select); coding-DNA position 3281, A replaced by G.
Protein change: p.Lys1094Arg; replaces lysine 1094 with arginine.
Molecular consequence: missense variant. On other transcripts: intron variant (2).
Genome position (GRCh38, 1-based): chr6:75,155,824, T>C on the plus strand (A>G on the coding strand, the complement: COL12A1 is on the minus strand). VCF-style: chr6-75155824-T-C. GRCh37 (hg19) VCF-style: chr6-75865540-T-C.
Other names: c.3281A>G, p.Lys1094Arg (NM_001424113.1, NM_001424114.1); c.3008A>G, p.Lys1003Arg (NM_001424115.1); c.74-3342A>G (NM_001424116.1, NM_080645.3); short protein forms K1003R, K1094R.
Identifiers: ClinVar variation 3748098 (VCV003748098.2).